The following is an entry in ClinVar:

ClinVar aggregate classification (germline): Likely pathogenic (1 of 4 stars; one submission).

Submission:

GeneDx
Classification: Likely pathogenic. Last evaluated: 2022-06-22. Review status: criteria provided, single submitter. Criteria: GeneDx Variant Classification Process June 2021. Collection method: clinical testing. Allele origin: germline. Affected: yes.
Comment: Frameshift variant predicted to result in protein truncation or nonsense mediated decay in a gene for which loss-of-function is a known mechanism of disease; Not observed at significant frequency in large population cohorts (gnomAD); Has not been previously published as pathogenic or benign to our knowledge

NM_001163809.2(WDR81):c.2074_2077del (p.Phe692fs)

Gene: WDR81 (WD repeat domain 81; plus strand). Cytogenetic location: 17p13.3.
Variant type: Deletion.
Coding change: c.2074_2077del on transcript NM_001163809.2 (MANE Select); coding-DNA positions 2074 to 2077, 4 bases deleted (TTCT; older notation c.2074_2077delTTCT).
Protein change: p.Phe692fs; shifts the reading frame from phenylalanine 692.
Molecular consequence: frameshift variant. On other transcripts: intron variant (3).
Genome position (GRCh38, 1-based): chr17:1,727,033-1,727,036, TTCT deleted; deleting any 4 consecutive bases within chr17:1,727,030-1,727,036 gives the same sequence; the c. name uses the placement nearest the transcript's 3' end. VCF-style (leftmost placement, unchanged base first): chr17-1727029-CTCTT-C. GRCh37 (hg19) VCF-style: chr17-1630323-CTCTT-C.
Other names: c.-123-957_-123-954del (NM_152348.4); c.59-3347_59-3344del (NM_001163673.2); c.-15+2247_-15+2250del (NM_001163811.2); short protein forms F692fs.
Identifiers: ClinVar variation 1702659 (VCV001702659.2), dbSNP rs1567719594, ClinGen allele CA624565461.